The following is an entry in ClinVar:

ClinVar aggregate classification (germline): Conflicting classifications of pathogenicity. Review status: criteria provided, conflicting classifications (1 of 4 stars). 6 submissions from 6 submitters: Uncertain significance (4); Likely benign (2). Last evaluated 2024-11-18.

Conditions:
Hereditary pulmonary alveolar proteinosis. Also called: Pulmonary surfactant metabolism dysfunction. Identifiers: Orphanet 264675, MedGen C3711368, MONDO:0012580.
Interstitial lung disease due to ABCA3 deficiency. Also called: PULMONARY ALVEOLAR PROTEINOSIS, CONGENITAL, 3. Identifiers: Orphanet 440402, MedGen C1970456, MONDO:0012582, OMIM 610921.

Allele frequency attached by ClinVar (database versions not stated): TOPMed 0.00016; ESP Exome Variant Server 0.00023.
gnomAD v4.1: 288 of 1,613,892 alleles (0.018%); highest among the groups gnomAD compares: Middle Eastern, 0.61%; 1 homozygote.

Submissions (6):

Blueprint Genetics
Classification: Uncertain significance. Last evaluated: 2024-11-18. Review status: criteria provided, single submitter. Criteria: ACMG Guidelines, 2015. Collection method: clinical testing. Allele origin: germline.

Labcorp Genetics (formerly Invitae), Labcorp
Classification: Uncertain significance. Last evaluated: 2024-09-09. Review status: criteria provided, single submitter. Criteria: Invitae Variant Classification Sherloc (09022015). Collection method: clinical testing. Allele origin: germline.
Comment: This sequence change replaces methionine, which is neutral and non-polar, with leucine, which is neutral and non-polar, at codon 489 of the ABCA3 protein (p.Met489Leu). This variant is present in population databases (rs150543946, gnomAD 0.2%). This variant has not been reported in the literature in individuals affected with ABCA3-related conditions. ClinVar contains an entry for this variant (Variation ID: 318543). An algorithm developed to predict the effect of missense changes on protein structure and function outputs the following: PolyPhen-2: "Benign". The leucine amino acid residue is found in multiple mammalian species, which suggests that this missense change does not adversely affect protein function. In summary, the available evidence is currently insufficient to determine the role of this variant in disease. Therefore, it has been classified as a Variant of Uncertain Significance.

CeGaT Center for Human Genetics Tuebingen
Classification: Likely benign. Last evaluated: 2024-06-01. Review status: criteria provided, single submitter. Criteria: CeGaT Center For Human Genetics Tuebingen Variant Classification Criteria Version 2. Collection method: clinical testing. Allele origin: germline. Affected: yes. Observed: 2 variant alleles.
Comment: ABCA3: BP4

Johns Hopkins Genomics, Johns Hopkins University
Classification: Likely benign for Interstitial lung disease due to ABCA3 deficiency. Last evaluated: 2019-09-20. Review status: criteria provided, single submitter. Criteria: ACMG Guidelines, 2015. Collection method: clinical testing. Allele origin: germline.

Illumina Laboratory Services, Illumina
Classification: Uncertain significance for Interstitial lung disease due to ABCA3 deficiency. Last evaluated: 2018-01-13. Review status: criteria provided, single submitter. Criteria: ICSL Variant Classification Criteria 13 December 2019. Collection method: clinical testing. Allele origin: germline.

Ambry Genetics
Classification: Uncertain significance for Hereditary pulmonary alveolar proteinosis. Last evaluated: 2017-06-19. Review status: criteria provided, single submitter. Criteria: Ambry Variant Classification Scheme 2023. Collection method: clinical testing. Allele origin: germline.
Comment: The p.M489L variant (also known as c.1465A>T), located in coding exon 9 of the ABCA3 gene, results from an A to T substitution at nucleotide position 1465. The methionine at codon 489 is replaced by leucine, an amino acid with highly similar properties. This variant was identified in one non-smoker with a low FEV1%; however, no further study or inquiry was performed for this variant (B&aelig;kvad-Hansen M et al. Respir. Res., 2012 Aug;13:67). This amino acid position is poorly conserved in available vertebrate species. In addition, this alteration is predicted to be tolerated by in silico analysis. Based on available evidence to date, the clinical significance of this alteration remains unclear.

Literature cited by the submitters: PubMed 22866751 (cited by Ambry Genetics).

NM_001089.3(ABCA3):c.1465A>T (p.Met489Leu)

Gene: ABCA3 (ATP binding cassette subfamily A member 3; minus strand). Cytogenetic location: 16p13.3.
Variant type: single nucleotide variant.
Coding change: c.1465A>T on transcript NM_001089.3 (MANE Select); coding-DNA position 1465, A replaced by T.
Protein change: p.Met489Leu; replaces methionine 489 with leucine.
Molecular consequence: missense variant.
Genome position (GRCh38, 1-based): chr16:2,303,971, T>A on the plus strand (A>T on the coding strand, the complement: ABCA3 is on the minus strand). VCF-style: chr16-2303971-T-A. GRCh37 (hg19) VCF-style: chr16-2353972-T-A.
Other names: short protein forms M489L.
Identifiers: ClinVar variation 318543 (VCV000318543.35), dbSNP rs150543946, ClinGen allele CA7841243.